The following is an entry in ClinVar:

NM_002519.3(NPAT):c.3059G>A (p.Cys1020Tyr)

Gene: NPAT (nuclear protein, coactivator of histone transcription; minus strand). Cytogenetic location: 11q22.3.
Variant type: single nucleotide variant.
Coding change: c.3059G>A on transcript NM_002519.3 (MANE Select); coding-DNA position 3059, G replaced by A.
Protein change: p.Cys1020Tyr; replaces cysteine 1020 with tyrosine.
Molecular consequence: missense variant.
Genome position (GRCh38, 1-based): chr11:108,162,132, C>T on the plus strand (G>A on the coding strand, the complement: NPAT is on the minus strand). VCF-style: chr11-108162132-C-T. GRCh37 (hg19) VCF-style: chr11-108032859-C-T.
Other names: c.3059G>A, p.Cys1020Tyr (NM_001321307.1); short protein forms C1020Y.
Identifiers: ClinVar variation 2447445 (VCV002447445.2), dbSNP rs1282496724, ClinGen allele CA382511628.
Genomic context (GRCh38, chr11:108,162,132, plus strand): 5'-AAATCTGAGCATTCAAACAATCTATGATAGAAACTACTTTATACTCACTTTTGTGCATGA[C>T]ATCCAACTGAATGACCTGACGAATCCACCAAATTATTTACTTGTTTTCCTGAAATTATAA-3'
Protein context (NP_002510.2, residues 1010-1030): LVDSSGHSVG[Cys1020Tyr]HAQKTEVSDK

ClinVar aggregate classification (germline): Uncertain significance (1 of 4 stars; one submission).

Allele frequency attached by ClinVar (database versions not stated): gnomAD exomes below 0.00001; TOPMed below 0.00001.
gnomAD v4.1: 5 of 1,614,010 alleles (0.00031%); highest among the groups gnomAD compares: Admixed American, 0.0017%; no homozygotes.

Submission:

Ambry Genetics
Classification: Uncertain significance. Last evaluated: 2023-02-16. Review status: criteria provided, single submitter. Criteria: Ambry Variant Classification Scheme 2023. Collection method: clinical testing. Allele origin: germline.
Comment: The p.C1020Y variant (also known as c.3059G>A), located in coding exon 16 of the NPAT gene, results from a G to A substitution at nucleotide position 3059. The cysteine at codon 1020 is replaced by tyrosine, an amino acid with highly dissimilar properties. This amino acid position is conserved. In addition, this alteration is predicted to be tolerated by in silico analysis. Since supporting evidence is limited at this time, the clinical significance of this alteration remains unclear.